The following is an entry in ClinVar:

ClinVar aggregate classification (germline): Pathogenic (1 of 4 stars; one submission).

Conditions:
Luscan-Lumish syndrome. Identifiers: Orphanet 597738, MedGen C4085873, MONDO:0014791, OMIM 616831.

Submission:

Johns Hopkins Genomics, Johns Hopkins University
Classification: Pathogenic for Luscan-Lumish syndrome. Last evaluated: 2022-10-06. Review status: criteria provided, single submitter. Criteria: ACMG Guidelines, 2015. Collection method: clinical testing. Allele origin: germline.
Comment: This SETD2 frameshift variant is absent from a large population dataset and has not been reported in ClinVar nor the literature, to our knowledge. This frameshift variant results in a premature stop codon in exon 3 of 21, likely leading to nonsense-mediated decay and lack of protein production. We consider c.2749dupA in SETD2 to be pathogenic.

NM_014159.7(SETD2):c.2749dup (p.Ser917fs)

Gene: SETD2 (SET domain containing 2, histone lysine methyltransferase; minus strand). Cytogenetic location: 3p21.31.
Variant type: Duplication.
Coding change: c.2749dup on transcript NM_014159.7 (MANE Select); coding-DNA position 2749, one base duplicated (A; older notation c.2749dupA).
Protein change: p.Ser917fs; shifts the reading frame from serine 917.
Molecular consequence: frameshift variant. On other transcripts: non-coding transcript variant (1).
Genome position (GRCh38, 1-based): chr3:47,121,887, T duplicated on the plus strand (A on the coding strand, the reverse complement: SETD2 is on the minus strand); the first of 7 consecutive T bases (chr3:47,121,887-47,121,893); duplicating any one gives the same sequence. VCF-style (leftmost placement, unchanged base first): chr3-47121886-C-CT. GRCh37 (hg19) VCF-style: chr3-47163376-C-CT.
Other names: c.2617dup, p.Ser873fs (NM_001349370.3); c.2749dupA (NM_014159.7); short protein forms S873fs, S917fs.
Identifiers: ClinVar variation 2443035 (VCV002443035.1), dbSNP rs2545631303, ClinGen allele CA2580069943.